The following is an entry in ClinVar:

ClinVar aggregate classification (germline): Uncertain significance. Review status: criteria provided, multiple submitters, no conflicts (2 of 4 stars). 2 submissions from 2 submitters: Uncertain significance (2). Last evaluated 2025-05-07.

Allele frequency attached by ClinVar (database versions not stated): gnomAD exomes below 0.00001 and 0.00001.
gnomAD v4.1: 3 of 1,211,191 alleles (0.00025%); highest among the groups gnomAD compares: Non-Finnish European, 0.00034%; no homozygotes.

Submissions (2):

Labcorp Genetics (formerly Invitae), Labcorp
Classification: Uncertain significance. Last evaluated: 2025-05-07. Review status: criteria provided, single submitter. Criteria: Invitae Variant Classification Sherloc (09022015). Collection method: clinical testing. Allele origin: germline.
Comment: This sequence change replaces glutamic acid, which is acidic and polar, with lysine, which is basic and polar, at codon 262 of the NEXMIF protein (p.Glu262Lys). This variant is present in population databases (no rsID available, gnomAD 0.001%). This variant has not been reported in the literature in individuals affected with NEXMIF-related conditions. ClinVar contains an entry for this variant (Variation ID: 1321693). An algorithm developed to predict the effect of missense changes on protein structure and function (PolyPhen-2) suggests that this variant is likely to be disruptive. In summary, the available evidence is currently insufficient to determine the role of this variant in disease. Therefore, it has been classified as a Variant of Uncertain Significance.

GeneDx
Classification: Uncertain significance. Last evaluated: 2021-10-29. Review status: criteria provided, single submitter. Criteria: GeneDx Variant Classification Process June 2021. Collection method: clinical testing. Allele origin: germline. Affected: yes.
Comment: In silico analysis supports that this missense variant does not alter protein structure/function; Has not been previously published as pathogenic or benign to our knowledge

NM_001008537.3(NEXMIF):c.784G>A (p.Glu262Lys)

Gene: NEXMIF (neurite extension and migration factor; minus strand). Cytogenetic location: Xq13.3.
Variant type: single nucleotide variant.
Coding change: c.784G>A on transcript NM_001008537.3 (MANE Select); coding-DNA position 784, G replaced by A.
Protein change: p.Glu262Lys; replaces glutamic acid 262 with lysine.
Molecular consequence: missense variant.
Genome position (GRCh38, 1-based): chrX:74,743,773, C>T on the plus strand (G>A on the coding strand, the complement: NEXMIF is on the minus strand). VCF-style: chrX-74743773-C-T. GRCh37 (hg19) VCF-style: chrX-73963608-C-T.
Other names: short protein forms E262K.
Identifiers: ClinVar variation 1321693 (VCV001321693.3), dbSNP rs1232982423, ClinGen allele CA413672485.
Genomic context (GRCh38, chrX:74,743,773, plus strand): 5'-ACAGCTCATTTTTGGAACAGAGGTCAAGCAGTTCAATCTTACTTTCACTAATAAAAGTCT[C>T]GAAGTAACCCCAATCCTGATTGGAATTTGCAAGCAAAGCTTCTTCTGTATTGCACTTGTC-3'
Protein context (NP_001008537.1, residues 252-272): ANSNQDWGYF[Glu262Lys]TFISESKIEL